The following is an entry in ClinVar:

ClinVar aggregate classification (germline): Uncertain significance (1 of 4 stars; one submission).

Conditions:
Primary ciliary dyskinesia. Also called: Ciliary dyskinesia. Identifiers: Orphanet 244, MedGen C0008780, MONDO:0016575, HP:0012265.

Submission:

Labcorp Genetics (formerly Invitae), Labcorp
Classification: Uncertain significance for Primary ciliary dyskinesia. Last evaluated: 2018-02-26. Review status: criteria provided, single submitter. Criteria: Invitae Variant Classification Sherloc (09022015). Collection method: clinical testing. Allele origin: germline.
Comment: Algorithms developed to predict the effect of missense changes on protein structure and function do not agree on the potential impact of this missense change (SIFT: "Tolerated"; PolyPhen-2: "probably Damaging"; Align-GVGD: "Class C0"). This variant has not been reported in the literature in individuals with DRC1-related disease. This variant is not present in population databases (ExAC no frequency). This sequence change replaces lysine with glutamatic acid at codon 357 of the DRC1 protein (p.Lys357Glu). The lysine residue is highly conserved and there is a small physicochemical difference between lysine and glutamic acid. In summary, the available evidence is currently insufficient to determine the role of this variant in disease. Therefore, it has been classified as a Variant of Uncertain Significance.

NM_145038.5(DRC1):c.1068_1069inv (p.Lys357Glu)

Gene: DRC1 (dynein regulatory complex subunit 1; plus strand). Cytogenetic location: 2p23.3.
Variant type: Inversion.
Coding change: c.1068_1069inv on transcript NM_145038.5 (MANE Select).
Protein change: p.Lys357Glu; replaces lysine 357 with glutamic acid.
Molecular consequence: missense variant.
Genome position: GRCh38 VCF-style: chr2-26444261-CA-TG. GRCh37 (hg19) VCF-style: chr2-26667129-CA-TG.
Other names: short protein forms K357E.
Identifiers: ClinVar variation 567551 (VCV000567551.7), ClinGen allele CA891842948.